The following is an entry in ClinVar:

ClinVar aggregate classification (germline): Conflicting classifications of pathogenicity. Review status: criteria provided, conflicting classifications (1 of 4 stars). 5 submissions from 5 submitters: Uncertain significance (3); Likely benign (2). Last evaluated 2025-10-23.

Conditions:
Inborn genetic diseases. Identifiers: MedGen C0950123, MeSH D030342.
Cerebral cavernous malformation 2. Also called: Familial Cerebral Cavernous Malformation 2. Identifiers: Orphanet 221061, MedGen C1864041, MONDO:0011304, OMIM 603284.

Allele frequency attached by ClinVar (database versions not stated): gnomAD 0.00005; TOPMed 0.00005; gnomAD exomes 0.00008 and 0.00011; ExAC 0.00009.
gnomAD v4.1: 160 of 1,613,674 alleles (0.0099%); highest among the groups gnomAD compares: Non-Finnish European, 0.013%; 1 homozygote.

Submissions (5):

Women's Health and Genetics/Laboratory Corporation of America, LabCorp
Classification: Uncertain significance. Last evaluated: 2025-10-23. Review status: criteria provided, single submitter. Criteria: LabCorp Variant Classification Summary - May 2015. Collection method: clinical testing. Allele origin: germline.
Comment: Variant summary: CCM2 c.1091A>G (p.His364Arg) results in a non-conservative amino acid change in the encoded protein sequence. Algorithms developed to predict the effect of missense changes on protein structure and function are either unavailable or do not agree on the potential impact of this missense change. The variant allele was found at a frequency of 8e-05 in 250852 control chromosomes. This frequency is not significantly higher than estimated for disease-causing variants in CCM2, allowing no conclusion about variant significance. To our knowledge, no occurrence of c.1091A>G in individuals affected with CCM2-related conditions and no experimental evidence demonstrating its impact on protein function have been reported. ClinVar contains an entry for this variant (Variation ID: 1434843). Based on the evidence outlined above, the variant was classified as uncertain significance.

Blueprint Genetics
Classification: Likely benign. Last evaluated: 2024-09-06. Review status: criteria provided, single submitter. Criteria: ACMG Guidelines, 2015. Collection method: clinical testing. Allele origin: germline.

Ambry Genetics
Classification: Likely benign for Inborn genetic diseases. Last evaluated: 2024-08-14. Review status: criteria provided, single submitter. Criteria: Ambry Variant Classification Scheme 2023. Collection method: clinical testing. Allele origin: germline.

Labcorp Genetics (formerly Invitae), Labcorp
Classification: Uncertain significance for Cerebral cavernous malformation 2. Last evaluated: 2023-08-30. Review status: criteria provided, single submitter. Criteria: Invitae Variant Classification Sherloc (09022015). Collection method: clinical testing. Allele origin: germline.
Comment: In summary, the available evidence is currently insufficient to determine the role of this variant in disease. Therefore, it has been classified as a Variant of Uncertain Significance. Advanced modeling of protein sequence and biophysical properties (such as structural, functional, and spatial information, amino acid conservation, physicochemical variation, residue mobility, and thermodynamic stability) performed at Invitae indicates that this missense variant is not expected to disrupt CCM2 protein function. ClinVar contains an entry for this variant (Variation ID: 1434843). This variant has not been reported in the literature in individuals affected with CCM2-related conditions. This variant is present in population databases (rs201559289, gnomAD 0.01%). This sequence change replaces histidine, which is basic and polar, with arginine, which is basic and polar, at codon 364 of the CCM2 protein (p.His364Arg).

GeneDx
Classification: Uncertain significance. Last evaluated: 2022-10-23. Review status: criteria provided, single submitter. Criteria: GeneDx Variant Classification Process June 2021. Collection method: clinical testing. Allele origin: germline. Affected: yes.
Comment: In silico analysis supports that this missense variant has a deleterious effect on protein structure/function; Has not been previously published as pathogenic or benign to our knowledge

NM_031443.4(CCM2):c.1091A>G (p.His364Arg)

Gene: CCM2 (CCM2 scaffold protein; plus strand). Cytogenetic location: 7p13.
Variant type: single nucleotide variant.
Coding change: c.1091A>G on transcript NM_031443.4 (MANE Select); coding-DNA position 1091, A replaced by G.
Protein change: p.His364Arg; replaces histidine 364 with arginine.
Molecular consequence: missense variant. On other transcripts: non-coding transcript variant (1).
Genome position (GRCh38, 1-based): chr7:45,075,813, A>G. VCF-style: chr7-45075813-A-G. GRCh37 (hg19) VCF-style: chr7-45115412-A-G.
Other names: c.1154A>G, p.His385Arg (NM_001029835.2); c.917A>G, p.His306Arg (NM_001167934.2); c.818A>G, p.His273Arg (NM_001167935.2); c.1214A>G, p.His405Arg (NM_001363458.2); c.1040A>G, p.His347Arg (NM_001363459.2); short protein forms H385R, H405R, H306R, H347R, H273R, H364R.
Identifiers: ClinVar variation 1434843 (VCV001434843.15), dbSNP rs201559289, ClinGen allele CA4247260.